The following is an entry in ClinVar:

NM_001378457.1(DMXL2):c.1873G>T (p.Ala625Ser)

Gene: DMXL2 (Dmx like 2; minus strand). Cytogenetic location: 15q21.2.
Variant type: single nucleotide variant.
Coding change: c.1873G>T on transcript NM_001378457.1 (MANE Select); coding-DNA position 1873, G replaced by T.
Protein change: p.Ala625Ser; replaces alanine 625 with serine.
Molecular consequence: missense variant. On other transcripts: non-coding transcript variant (2).
Genome position (GRCh38, 1-based): chr15:51,536,607, C>A on the plus strand (G>T on the coding strand, the complement: DMXL2 is on the minus strand). VCF-style: chr15-51536607-C-A. GRCh37 (hg19) VCF-style: chr15-51828804-C-A.
Other names: c.1873G>T, p.Ala625Ser (NM_001174116.3, NM_001174117.3, NM_001378458.1 and 6 more transcripts); c.1633G>T, p.Ala545Ser (NM_001378464.1); c.1873G>T (NM_001174116.1); short protein forms A545S, A625S.
Identifiers: ClinVar variation 2867460 (VCV002867460.3), dbSNP rs2048301897, ClinGen allele CA392467356.
Genomic context (GRCh38, chr15:51,536,607, plus strand): 5'-TAAATTTGTGAGATACAGTTAGAACAGTGGTAAAGGCAGACTTATCAGCAAAAGTGACTG[C>A]CCACTGATTTAAAGAACCATCTATGTGTTTAGAGATCATCATTACTGTGGGAGCTAAGAT-3'
Protein context (NP_001365386.1, residues 615-635): KHIDGSLNQW[Ala625Ser]VTFADKSAFT

ClinVar aggregate classification (germline): Uncertain significance. Review status: criteria provided, multiple submitters, no conflicts (2 of 4 stars). 2 submissions from 2 submitters: Uncertain significance (2). Last evaluated 2025-06-03.

Conditions:
Inborn genetic diseases. Identifiers: MedGen C0950123, MeSH D030342.

Allele frequency attached by ClinVar (database versions not stated): gnomAD exomes below 0.00001; gnomAD 0.00001; TOPMed 0.00002.
gnomAD v4.1: 4 of 1,613,854 alleles (0.00025%); highest among the groups gnomAD compares: Admixed American, 0.005%; no homozygotes.

Submissions (2):

Ambry Genetics
Classification: Uncertain significance for Inborn genetic diseases. Last evaluated: 2025-06-03. Review status: criteria provided, single submitter. Criteria: Ambry Variant Classification Scheme 2023. Collection method: clinical testing. Allele origin: germline.

Labcorp Genetics (formerly Invitae), Labcorp
Classification: Uncertain significance. Last evaluated: 2023-08-17. Review status: criteria provided, single submitter. Criteria: Invitae Variant Classification Sherloc (09022015). Collection method: clinical testing. Allele origin: germline.
Comment: This sequence change replaces alanine, which is neutral and non-polar, with serine, which is neutral and polar, at codon 625 of the DMXL2 protein (p.Ala625Ser). This variant is not present in population databases (gnomAD no frequency). In summary, the available evidence is currently insufficient to determine the role of this variant in disease. Therefore, it has been classified as a Variant of Uncertain Significance. An algorithm developed to predict the effect of missense changes on protein structure and function (PolyPhen-2) suggests that this variant is likely to be disruptive. This variant has not been reported in the literature in individuals affected with DMXL2-related conditions.